The following is an entry in ClinVar:

NC_000002.12:g.178528337_178528340del

Genes: TTN (titin; minus strand), TTN-AS1 (TTN antisense RNA 1; plus strand). Cytogenetic location: 2q31.2.
Variant type: Deletion.
Molecular consequence: frameshift variant (on NM_001267550.2).
Genome position: GRCh38 VCF-style: chr2-178528335-GTACT-G. GRCh37 (hg19) VCF-style: chr2-179393062-GTACT-G.
Other names: NR_038272.1:n.219+4701_219+4704del; c.102389_102392del, p.Lys34130fs (NM_001256850.1); c.107312_107315del, p.Lys35771fs (NM_001267550.2); c.80117_80120del, p.Lys26706fs (NM_003319.4); c.99608_99611del, p.Lys33203fs (NM_133378.4); c.80492_80495del, p.Lys26831fs (NM_133432.3); c.80693_80696del, p.Lys26898fs (NM_133437.4); short protein forms K26706fs, K26831fs, K26898fs, K33203fs, K34130fs, K35771fs.
Identifiers: ClinVar variation 2500876 (VCV002500876.1), dbSNP rs2468282641, ClinGen allele CA2573334535.

ClinVar aggregate classification (germline): Likely pathogenic (1 of 4 stars; one submission).

Conditions:
Autosomal recessive limb-girdle muscular dystrophy type 2J (LGMDR10). Also called: MUSCULAR DYSTROPHY, LIMB-GIRDLE, AUTOSOMAL RECESSIVE 10; Limb-girdle muscular dystrophy, type 2J. Identifiers: Orphanet 140922, MedGen C1837342, MONDO:0012127, OMIM 608807.

Submission:

Broad Center for Mendelian Genomics, Broad Institute of MIT and Harvard
Classification: Likely pathogenic for Autosomal recessive limb-girdle muscular dystrophy type 2J. Last evaluated: 2023-05-02. Review status: criteria provided, single submitter. Criteria: ACMG Guidelines, 2015. Collection method: curation. Allele origin: germline. Inheritance: Autosomal recessive inheritance.
Comment: The p.Lys35771ThrfsTer18 variant in TTN has not been previously reported in individuals with autosomal recessive muscular dystrophy 10. This variant was absent from large population studies. This variant is predicted to cause a frameshift, which alters the protein‚Äôs amino acid sequence beginning at position 35771 and leads to a premature termination codon 18 amino acids downstream. This alteration is then predicted to lead to a truncated or absent protein. Loss of function of the TTN gene is an established disease mechanism in autosomal recessive muscular dystrophy 10. In summary, although additional studies are required to fully establish its clinical significance, this variant is likely pathogenic for limb-girdle muscular dystrophy 10. ACMG/AMP Criteria applied: PVS1, PM2_Supporting (Richards 2015).